The following is an entry in ClinVar:

NM_000535.7(PMS2):c.1916G>A (p.Ser639Asn)

Gene: PMS2 (PMS1 homolog 2, mismatch repair system component; minus strand). Cytogenetic location: 7p22.1.
Variant type: single nucleotide variant.
Coding change: c.1916G>A on transcript NM_000535.7 (MANE Select); coding-DNA position 1916, G replaced by A.
Protein change: p.Ser639Asn; replaces serine 639 with asparagine.
Molecular consequence: missense variant. On other transcripts: non-coding transcript variant (1).
Genome position (GRCh38, 1-based): chr7:5,986,849, C>T on the plus strand (G>A on the coding strand, the complement: PMS2 is on the minus strand). VCF-style: chr7-5986849-C-T. GRCh37 (hg19) VCF-style: chr7-6026480-C-T.
Other names: c.1511G>A, p.Ser504Asn (NM_001322003.2, NM_001322004.2, NM_001322005.2 and 1 more transcripts); c.1760G>A, p.Ser587Asn (NM_001322006.2); c.1598G>A, p.Ser533Asn (NM_001322007.2, NM_001322008.2); c.1355G>A, p.Ser452Asn (NM_001322010.2); c.983G>A, p.Ser328Asn (NM_001322011.2, NM_001322012.2); c.1343G>A, p.Ser448Asn (NM_001322013.2); c.1916G>A, p.Ser639Asn (NM_001322014.2); c.1607G>A, p.Ser536Asn (NM_001322015.2); short protein forms S639N, S452N, S587N, S328N, S504N, S536N, S533N, S448N.
Identifiers: ClinVar variation 232445 (VCV000232445.25), dbSNP rs876659769, ClinGen allele CA10578658.

ClinVar aggregate classification (germline): Conflicting classifications of pathogenicity. Review status: criteria provided, conflicting classifications (1 of 4 stars). 5 submissions from 5 submitters: Uncertain significance (4); Likely benign (1). Last evaluated 2026-08-14.

Conditions:
Hereditary nonpolyposis colorectal neoplasms. Identifiers: MedGen C0009405, MeSH D003123.
Hereditary cancer-predisposing syndrome. Also called: Tumor predisposition; Neoplastic Syndromes, Hereditary; Hereditary Cancer Syndrome; Hereditary neoplastic syndrome. Identifiers: Orphanet 140162, MedGen C0027672, MeSH D009386, MONDO:0015356.
Lynch syndrome. Identifiers: Orphanet 144, MedGen C4552100, MONDO:0005835. Disease mechanism: loss of function.
Lynch syndrome 4 (LYNCH4). Also called: Colorectal cancer, hereditary nonpolyposis, type 4; Hereditary non-polyposis colorectal cancer, type 4. Identifiers: Orphanet 144, MedGen C1838333, MONDO:0013699, OMIM 614337. Disease mechanism: loss of function.

Submissions (5):

Ambry Genetics
Classification: Likely benign for Hereditary cancer-predisposing syndrome. Last evaluated: 2026-08-14. Review status: criteria provided, single submitter. Criteria: Ambry Variant Classification Scheme 2023. Collection method: clinical testing. Allele origin: germline.

Color Diagnostics, LLC DBA Color Health
Classification: Uncertain significance for Hereditary cancer-predisposing syndrome. Last evaluated: 2023-12-05. Review status: criteria provided, single submitter. Criteria: ACMG Guidelines, 2015. Collection method: clinical testing. Allele origin: germline.
Comment: This missense variant replaces serine with asparagine at codon 639 of the PMS2 protein. Computational prediction suggests that this variant may not impact protein structure and function (internally defined REVEL score threshold <= 0.5, PMID: 27666373). To our knowledge, functional studies have not been reported for this variant. This variant has not been reported in individuals affected with PMS2-related disorders in the literature. This variant has not been identified in the general population by the Genome Aggregation Database (gnomAD). The available evidence is insufficient to determine the role of this variant in disease conclusively. Therefore, this variant is classified as a Variant of Uncertain Significance.

Labcorp Genetics (formerly Invitae), Labcorp
Classification: Uncertain significance for Hereditary nonpolyposis colorectal neoplasms. Last evaluated: 2023-09-04. Review status: criteria provided, single submitter. Criteria: Invitae Variant Classification Sherloc (09022015). Collection method: clinical testing. Allele origin: germline.
Comment: In summary, the available evidence is currently insufficient to determine the role of this variant in disease. Therefore, it has been classified as a Variant of Uncertain Significance. Advanced modeling of protein sequence and biophysical properties (such as structural, functional, and spatial information, amino acid conservation, physicochemical variation, residue mobility, and thermodynamic stability) performed at Invitae indicates that this missense variant is not expected to disrupt PMS2 protein function. ClinVar contains an entry for this variant (Variation ID: 232445). This variant has not been reported in the literature in individuals affected with PMS2-related conditions. This variant is not present in population databases (gnomAD no frequency). This sequence change replaces serine, which is neutral and polar, with asparagine, which is neutral and polar, at codon 639 of the PMS2 protein (p.Ser639Asn).

Department of Pathology and Laboratory Medicine, Sinai Health System
Classification: Uncertain significance for Lynch syndrome. Last evaluated: 2022-02-03. Review status: criteria provided, single submitter. Criteria: ACMG Guidelines, 2015. Collection method: clinical testing. Allele origin: germline. Affected: yes.

Illumina Laboratory Services, Illumina
Classification: Uncertain significance for Lynch syndrome 4. Last evaluated: 2017-04-27. Review status: criteria provided, single submitter. Criteria: ICSL Variant Classification Criteria 13 December 2019. Collection method: clinical testing. Allele origin: germline.